The following is an entry in ClinVar:

ClinVar aggregate classification (germline): Likely benign. Review status: criteria provided, multiple submitters, no conflicts (2 of 4 stars). 5 submissions from 5 submitters: Likely benign (5). Last evaluated 2026-07-01.

Conditions:
Cardiovascular phenotype. Identifiers: MedGen CN230736.
Long QT syndrome (LQTS). Identifiers: MedGen C0023976, MeSH D008133, MONDO:0002442. Disease mechanism: loss of function. Inheritance: Various modes of inheritance.
Cardiac arrhythmia. Also called: Arrhythmia; Cardiac rhythm disease. Identifiers: MedGen C0003811, MONDO:0007263, HP:0011675.

Allele frequency attached by ClinVar (database versions not stated): gnomAD 0.00001 and 0.00003; TOPMed 0.00001; gnomAD exomes 0.00002 and 0.00004; ExAC 0.00003; 1000 Genomes Project 30x 0.00016; 1000 Genomes Project 0.00020.
gnomAD v4.1: 31 of 1,612,436 alleles (0.0019%); highest among the groups gnomAD compares: Middle Eastern, 0.017%; no homozygotes.

Submissions (5):

CeGaT Center for Human Genetics Tuebingen
Classification: Likely benign. Last evaluated: 2026-07-01. Review status: criteria provided, single submitter. Criteria: CeGaT Center For Human Genetics Tuebingen Variant Classification Criteria Version 2. Collection method: clinical testing. Allele origin: germline. Affected: yes. Observed: 1 variant allele.
Comment: KCNH2: BP4, BP7

Labcorp Genetics (formerly Invitae), Labcorp
Classification: Likely benign for Long QT syndrome. Last evaluated: 2025-03-05. Review status: criteria provided, single submitter. Criteria: Invitae Variant Classification Sherloc (09022015). Collection method: clinical testing. Allele origin: germline.

All of Us Research Program, National Institutes of Health
Classification: Likely benign for Long QT syndrome. Last evaluated: 2023-12-13. Review status: criteria provided, single submitter. Criteria: ACMG Guidelines, 2015. Collection method: clinical testing. Allele origin: germline. Inheritance: Autosomal dominant inheritance. Observed: 3 variant alleles, 3 heterozygotes.
Comment: This study involves interpretation of variants in research participants for the purpose of population health screening. Participant phenotype was not available at the time of variant classification. Additional details can be found in publication PMID: 35346344, PMCID: PMC8962531

Ambry Genetics
Classification: Likely benign for Cardiovascular phenotype. Last evaluated: 2021-10-28. Review status: criteria provided, single submitter. Criteria: Ambry Variant Classification Scheme 2023. Collection method: clinical testing. Allele origin: germline.

Color Diagnostics, LLC DBA Color Health
Classification: Likely benign for Arrhythmia. Last evaluated: 2019-07-15. Review status: criteria provided, single submitter. Criteria: ACMG Guidelines, 2015. Collection method: clinical testing. Allele origin: germline.

NM_000238.4(KCNH2):c.1974C>T (p.Asn658=)

Gene: KCNH2 (potassium voltage-gated channel subfamily H member 2; minus strand). Cytogenetic location: 7q36.1.
Variant type: single nucleotide variant.
Coding change: c.1974C>T on transcript NM_000238.4 (MANE Select); coding-DNA position 1974, C replaced by T.
Protein change: p.Asn658=; no amino-acid change (asparagine 658 retained).
Molecular consequence: synonymous variant. On other transcripts: non-coding transcript variant (2).
Genome position (GRCh38, 1-based): chr7:150,951,092, G>A on the plus strand (C>T on the coding strand, the complement: KCNH2 is on the minus strand). VCF-style: chr7-150951092-G-A. GRCh37 (hg19) VCF-style: chr7-150648180-G-A.
Other names: c.954C>T, p.Asn318= (NM_001204798.2, NM_172057.3); c.1686C>T, p.Asn562= (NM_001406753.1, NM_001406756.1); c.1797C>T, p.Asn599= (NM_001406755.1); c.1674C>T, p.Asn558= (NM_001406757.1); c.1974C>T, p.Asn658= (NM_172056.3).
Identifiers: ClinVar variation 704121 (VCV000704121.19), dbSNP rs553107049, ClinGen allele CA030239.